The following is an entry in ClinVar:

NM_001194998.2(CEP152):c.314G>A (p.Trp105Ter)

Gene: CEP152 (centrosomal protein 152; minus strand). Cytogenetic location: 15q21.1.
Variant type: single nucleotide variant.
Coding change: c.314G>A on transcript NM_001194998.2 (MANE Select); coding-DNA position 314, G replaced by A.
Protein change: p.Trp105Ter; replaces tryptophan 105 with a stop codon.
Molecular consequence: nonsense.
Genome position (GRCh38, 1-based): chr15:48,797,527, C>T on the plus strand (G>A on the coding strand, the complement: CEP152 is on the minus strand). VCF-style: chr15-48797527-C-T. GRCh37 (hg19) VCF-style: chr15-49089724-C-T.
Other names: c.314G>A, p.Trp105Ter (NM_014985.4); short protein forms W105*.
Identifiers: ClinVar variation 517617 (VCV000517617.8), dbSNP rs1342429887, ClinGen allele CA392358126.

ClinVar aggregate classification (germline): Pathogenic/Likely pathogenic. Review status: criteria provided, multiple submitters, no conflicts (2 of 4 stars). 3 submissions from 3 submitters: Pathogenic (2); Likely pathogenic (1). Last evaluated 2022-12-10.

Conditions:
Seckel syndrome. Also called: Microcephalic primordial dwarfism. Identifiers: Orphanet 324761, Orphanet 808, MedGen C0265202, MONDO:0019342.
Microcephaly 9, primary, autosomal recessive. Identifiers: Orphanet 2512, MedGen C3553886, MONDO:0013923, OMIM 614852.

Allele frequency attached by ClinVar (database versions not stated): gnomAD exomes below 0.00001 and 0.00001.

Submissions (3):

Labcorp Genetics (formerly Invitae), Labcorp
Classification: Pathogenic. Last evaluated: 2022-12-10. Review status: criteria provided, single submitter. Criteria: Invitae Variant Classification Sherloc (09022015). Collection method: clinical testing. Allele origin: germline.
Comment: This variant has not been reported in the literature in individuals affected with CEP152-related conditions. For these reasons, this variant has been classified as Pathogenic. Algorithms developed to predict the effect of sequence changes on RNA splicing suggest that this variant may disrupt the consensus splice site. ClinVar contains an entry for this variant (Variation ID: 517617). This variant is present in population databases (no rsID available, gnomAD 0.006%). This sequence change creates a premature translational stop signal (p.Trp105*) in the CEP152 gene. It is expected to result in an absent or disrupted protein product. Loss-of-function variants in CEP152 are known to be pathogenic (PMID: 21131973).

3billion
Classification: Pathogenic for Microcephaly 9, primary, autosomal recessive. Last evaluated: 2021-10-02. Review status: criteria provided, single submitter. Criteria: ACMG Guidelines, 2015. Collection method: clinical testing. Allele origin: paternal. Affected: yes. Observed: 1 heterozygote.
Comment: Stop-gained (nonsense): predicted to result in a loss or disruption of normal protein function through nonsense-mediated decay (NMD) or protein truncation. Multiple pathogenic variants are reported downstream of the variant (PVS1_VS). It is observed at an extremely low frequency in the gnomAD v2.1.1 dataset (total allele frequency: 0.00000401, PM2). The variant was observed in trans with a pathogenic variant (NM_001194998.1:c.2034T>G) as compound heterozygous (3billion dataset, PM3). Therefore, this variant is classified as pathogenic according to the recommendation of ACMG/AMP guideline.

Laboratory for Molecular Medicine, Mass General Brigham Personalized Medicine
Classification: Likely pathogenic for Seckel syndrome. Last evaluated: 2018-01-24. Review status: criteria provided, single submitter. Criteria: LMM Criteria. Collection method: clinical testing. Allele origin: germline. Inheritance: Autosomal recessive inheritance. Observed: 1 variant allele.
Comment: The p.Trp105X (NM_001194998.1 c.314G>A) variant in CEP152 has not been previousl y reported in the literature. It has been identified in 1/17238 East Asian chrom osomes by the Genome Aggregation Database, th ough its frequency is not high enough to rule out a pathogenic role. This nonsen se variant leads to a premature termination codon at position 105, which is pred icted to lead to a truncated or absent protein. Biallelic loss of function of th e CEP152 gene has been associated with Seckel syndrome. In summary, although add itional studies are required to fully establish a null effect, the p.Trp105X var iant is likely pathogenic for Seckel syndrome in an autosomal recessive manner b ased upon its predicted impact on the protein. ACMG/AMP Criteria Applied: PVS1, PM2 (Richards 2015)

Literature cited by the submitters: PubMed 21131973 (cited by Labcorp Genetics (formerly Invitae), Labcorp).